The following is an entry in ClinVar:

ClinVar aggregate classification (germline): Conflicting classifications of pathogenicity. Review status: criteria provided, conflicting classifications (1 of 4 stars). 7 submissions from 7 submitters: Uncertain significance (2); Benign (2); Likely benign (3). Last evaluated 2025-11-21.

Conditions:
Maturity-onset diabetes of the young (MODY). Also called: Maturity onset diabetes mellitus in young. Identifiers: Orphanet 552, MedGen C0342276, MONDO:0018911, HP:0004904.
Type 1 diabetes mellitus 20 (T1D20). Also called: Diabetes mellitus, insulin-dependent, 20. Identifiers: MedGen C2675866, MONDO:0012919, OMIM 612520.
Diabetes mellitus type 1 (T1D). Also called: Type I diabetes mellitus; Diabetes Mellitus, Juvenile-Onset. Identifiers: MedGen C0011854, MONDO:0005147, OMIM 222100, HP:0100651.
Maturity-onset diabetes of the young type 3. Also called: MODY type 3; MODY, type III. Identifiers: Orphanet 552, MedGen C1838100, MeSH C563933, MONDO:0010894, OMIM 600496. Disease mechanism: loss of function.
Type 2 diabetes mellitus. Also called: Type II diabetes mellitus. Identifiers: MedGen C0011860, MeSH D003924, MONDO:0005148, OMIM 125853, HP:0005978.
Hepatic adenomas, familial. Also called: LIVER CELL ADENOMAS, FAMILIAL; HEPATIC ADENOMA, SOMATIC. Identifiers: MedGen C1840646, MONDO:0007718, OMIM 142330.
Nonpapillary renal cell carcinoma. Identifiers: Orphanet 422526, MedGen CN074294, MONDO:0007763, OMIM 144700.

Allele frequency attached by ClinVar (database versions not stated): gnomAD exomes 0.00003 and 0.00009; ExAC 0.00014; 1000 Genomes Project 30x 0.00016; 1000 Genomes Project 0.00020; gnomAD 0.00031 and 0.00035; TOPMed 0.00037; ESP Exome Variant Server 0.00054.
gnomAD v4.1: 86 of 1,607,686 alleles (0.0053%); highest among the groups gnomAD compares: African/African-American, 0.11%; no homozygotes.

Submissions (7):

Labcorp Genetics (formerly Invitae), Labcorp
Classification: Likely benign. Last evaluated: 2025-11-21. Review status: criteria provided, single submitter. Criteria: Invitae Variant Classification Sherloc (09022015). Collection method: clinical testing. Allele origin: germline.

Women's Health and Genetics/Laboratory Corporation of America, LabCorp
Classification: Benign. Last evaluated: 2024-11-11. Review status: criteria provided, single submitter. Criteria: LabCorp Variant Classification Summary - May 2015. Collection method: clinical testing. Allele origin: germline.

Blueprint Genetics
Classification: Likely benign. Last evaluated: 2024-02-16. Review status: criteria provided, single submitter. Criteria: ACMG Guidelines, 2015. Collection method: clinical testing. Allele origin: germline.

GeneDx
Classification: Likely benign. Last evaluated: 2021-03-27. Review status: criteria provided, single submitter. Criteria: GeneDx Variant Classification Process June 2021. Collection method: clinical testing. Allele origin: germline. Affected: yes.

Fulgent Genetics
Classification: Uncertain significance for Type 2 diabetes mellitus; Hepatic adenomas, familial; Nonpapillary renal cell carcinoma; Diabetes mellitus type 1; Maturity-onset diabetes of the young type 3; Type 1 diabetes mellitus 20. Last evaluated: 2018-10-31. Review status: criteria provided, single submitter. Criteria: ACMG Guidelines, 2015. Collection method: clinical testing. Allele origin: unknown.

Genetic Services Laboratory, University of Chicago
Classification: Uncertain significance. Last evaluated: 2016-02-09. Review status: criteria provided, single submitter. Criteria: ACMG Guidelines, 2015. Collection method: clinical testing. Allele origin: germline. Affected: no.

Clinical Genomics, Uppaluri K&H Personalized Medicine Clinic
Classification: Benign for Maturity-onset diabetes of the young. Review status: criteria provided, single submitter. Criteria: K & H Uppaluri Personalized Medicine Clinic Variant Classification & Assertion Criteria_Updated V.1. Collection method: research. Allele origin: unknown. Inheritance: Autosomal dominant inheritance.
Comment: Mutations in HNF1A gene can predispose to MODY3. It is associated with both micro and macrovascular complications of diabetes, especially cardiovascular complications. Associated with glucosuria. May respond well to sulfonylureas. However, more evidence is required to confer the association of this particular variant rs374306837 with MODY3.

Literature cited by the submitters: PubMed 31517624 (cited by Clinical Genomics, Uppaluri K&H Personalized Medicine Clinic); PubMed 32395877 (cited by Clinical Genomics, Uppaluri K&H Personalized Medicine Clinic); PubMed 35328643 (cited by Clinical Genomics, Uppaluri K&H Personalized Medicine Clinic); PubMed 35673428 (cited by Clinical Genomics, Uppaluri K&H Personalized Medicine Clinic).

NM_000545.8(HNF1A):c.1501+6C>T

Gene: HNF1A (HNF1 homeobox A; plus strand). Cytogenetic location: 12q24.31.
Variant type: single nucleotide variant.
Coding change: c.1501+6C>T on transcript NM_000545.8 (MANE Select); 6 bases into the intron after coding-DNA position 1501, C replaced by T.
Molecular consequence: intron variant.
Genome position (GRCh38, 1-based): chr12:120,997,671, C>T. VCF-style: chr12-120997671-C-T. GRCh37 (hg19) VCF-style: chr12-121435474-C-T.
Other names: c.1501+6C>T (NM_001306179.2).
Identifiers: ClinVar variation 435420 (VCV000435420.21), dbSNP rs374306837, ClinGen allele CA6832060.